The following is an entry in ClinVar:

NM_020975.6(RET):c.1453G>A (p.Val485Met)

Gene: RET (ret proto-oncogene; plus strand). Cytogenetic location: 10q11.21.
Variant type: single nucleotide variant.
Coding change: c.1453G>A on transcript NM_020975.6 (MANE Select); coding-DNA position 1453, G replaced by A.
Protein change: p.Val485Met; replaces valine 485 with methionine.
Molecular consequence: missense variant.
Genome position (GRCh38, 1-based): chr10:43,111,396, G>A. VCF-style: chr10-43111396-G-A. GRCh37 (hg19) VCF-style: chr10-43606844-G-A.
Other names: c.1453G>A, p.Val485Met (NM_000323.2, NM_001406743.1, NM_001406744.1 and 6 more transcripts); c.691G>A, p.Val231Met (NM_001355216.2); c.1324G>A, p.Val442Met (NM_001406761.1, NM_001406762.1, NM_001406764.1 and 1 more transcripts); c.1165G>A, p.Val389Met (NM_001406766.1, NM_001406767.1, NM_001406770.1); c.1057G>A, p.Val353Met (NM_001406769.1, NM_001406772.1); c.1015G>A, p.Val339Met (NM_001406771.1, NM_001406773.1); c.928G>A, p.Val310Met (NM_001406774.1); c.727G>A, p.Val243Met (NM_001406775.1, NM_001406776.1, NM_001406777.1 and 1 more transcripts); and 1 more; short protein forms V485M, V231M, V310M, V389M, V155M, V243M, V339M, V353M.
Identifiers: ClinVar variation 960728 (VCV000960728.14), dbSNP rs1837922208, ClinGen allele CA376549703.
Genomic context (GRCh38, chr10:43,111,396, plus strand): 5'-CTGTTTGTGAATGACACCAAGGCCCTGCGGCGGCCCAAGTGTGCCGAACTTCACTACATG[G>A]TGGTGGCCACCGACCAGCAGACCTCTAGGCAGGCCCAGGCCCAGCTGCTTGTAACAGTGG-3'
Protein context (NP_066124.1, residues 475-495): RPKCAELHYM[Val485Met]VATDQQTSRQ

ClinVar aggregate classification (germline): Uncertain significance. Review status: criteria provided, multiple submitters, no conflicts (2 of 4 stars). 2 submissions from 2 submitters: Uncertain significance (2). Last evaluated 2024-10-11.

Conditions:
Hereditary cancer-predisposing syndrome. Also called: Tumor predisposition; Hereditary neoplastic syndrome; Neoplastic Syndromes, Hereditary; Hereditary Cancer Syndrome. Identifiers: Orphanet 140162, MedGen C0027672, MeSH D009386, MONDO:0015356.
Multiple endocrine neoplasia, type 2 (MEN2). Identifiers: Orphanet 653, MedGen C4048306, MONDO:0019003. Disease mechanism: gain of function.

Allele frequency attached by ClinVar (database versions not stated): gnomAD 0.00001.
gnomAD v4.1: 2 of 1,613,886 alleles (0.00012%); highest among the groups gnomAD compares: Non-Finnish European, 0.00017%; no homozygotes.

Submissions (2):

Ambry Genetics
Classification: Uncertain significance for Hereditary cancer-predisposing syndrome. Last evaluated: 2024-10-11. Review status: criteria provided, single submitter. Criteria: Ambry Variant Classification Scheme 2023. Collection method: clinical testing. Allele origin: germline.
Comment: The p.V485M variant (also known as c.1453G>A), located in coding exon 7 of the RET gene, results from a G to A substitution at nucleotide position 1453. The valine at codon 485 is replaced by methionine, an amino acid with highly similar properties. This amino acid position is conserved. In addition, the in silico prediction for this alteration is inconclusive. Since supporting evidence is limited at this time, the clinical significance of this alteration remains unclear.

Labcorp Genetics (formerly Invitae), Labcorp
Classification: Uncertain significance for Multiple endocrine neoplasia, type 2. Last evaluated: 2022-03-01. Review status: criteria provided, single submitter. Criteria: Invitae Variant Classification Sherloc (09022015). Collection method: clinical testing. Allele origin: germline.
Comment: In summary, the available evidence is currently insufficient to determine the role of this variant in disease. Therefore, it has been classified as a Variant of Uncertain Significance. Algorithms developed to predict the effect of missense changes on protein structure and function are either unavailable or do not agree on the potential impact of this missense change (SIFT: "Deleterious"; PolyPhen-2: "Possibly Damaging"; Align-GVGD: "Class C15"). ClinVar contains an entry for this variant (Variation ID: 960728). This variant has not been reported in the literature in individuals affected with RET-related conditions. This variant is not present in population databases (gnomAD no frequency). This sequence change replaces valine, which is neutral and non-polar, with methionine, which is neutral and non-polar, at codon 485 of the RET protein (p.Val485Met).